The following is an entry in ClinVar:

NM_194454.3(KRIT1):c.842del (p.Asp281fs)

Gene: KRIT1 (KRIT1 ankyrin repeat containing; minus strand). Cytogenetic location: 7q21.2.
Variant type: Deletion.
Coding change: c.842del on transcript NM_194454.3 (MANE Select); coding-DNA position 842, one base deleted (A; older notation c.842delA).
Protein change: p.Asp281fs; shifts the reading frame from aspartic acid 281.
Molecular consequence: frameshift variant.
Genome position (GRCh38, 1-based): chr7:92,234,811, T deleted on the plus strand (A on the coding strand, the reverse complement: KRIT1 is on the minus strand). VCF-style (leftmost placement, unchanged base first): chr7-92234810-GT-G. GRCh37 (hg19) VCF-style: chr7-91864124-GT-G.
Other names: c.842delA (NM_194456.1); c.842del, p.Asp281fs (NM_001013406.2, NM_001350669.1, NM_001350670.1 and 29 more transcripts); c.128del, p.Asp43fs (NM_001350671.1); short protein forms D43fs, D281fs.
Identifiers: ClinVar variation 590755 (VCV000590755.6), dbSNP rs1563302951, ClinGen allele CA891862697.
Genomic context (GRCh38, chr7:92,234,810, plus strand): 5'-CTTTAAATTAGAATGTAAGTTTTTATAAAAGCAATGTGGAGTAAAACCGAAACAGTACTT[GT>G]CTTCTGTGACACTGCTCATGCTTCTCTGCCATTTTTCCTGTTTAGGTATTTGGATTTTTG-3'

ClinVar aggregate classification (germline): Pathogenic. Review status: criteria provided, multiple submitters, no conflicts (2 of 4 stars). 2 submissions from 2 submitters: Pathogenic (2). Last evaluated 2022-10-21.

Conditions:
Cerebral cavernous malformation (CCM). Also called: Cavernous Hemangioma of Brain; Cerebral cavernous hemangioma (type); Cerebral cavernous malformations; CAVERNOUS ANGIOMA, FAMILIAL; CAVERNOUS ANGIOMATOUS MALFORMATIONS; CEREBRAL CAPILLARY MALFORMATIONS. Identifiers: Orphanet 221061, MedGen C2919945, MONDO:0000820, OMIM 116860, HP:0033522.

Submissions (2):

Labcorp Genetics (formerly Invitae), Labcorp
Classification: Pathogenic for Cerebral cavernous malformation. Last evaluated: 2022-10-21. Review status: criteria provided, single submitter. Criteria: Invitae Variant Classification Sherloc (09022015). Collection method: clinical testing. Allele origin: germline.
Comment: This variant is not present in population databases (gnomAD no frequency). This sequence change creates a premature translational stop signal (p.Asp281Alafs*7) in the KRIT1 gene. It is expected to result in an absent or disrupted protein product. Loss-of-function variants in KRIT1 are known to be pathogenic (PMID: 10508515, 11222804, 12404106, 24689081). This premature translational stop signal has been observed in individual(s) with cerebral cavernous malformations (PMID: 24689081). ClinVar contains an entry for this variant (Variation ID: 590755). For these reasons, this variant has been classified as Pathogenic. Algorithms developed to predict the effect of sequence changes on RNA splicing suggest that this variant may create or strengthen a splice site.

PreventionGenetics, part of Exact Sciences
Classification: Pathogenic. Last evaluated: 2016-03-15. Review status: criteria provided, single submitter. Criteria: ACMG Guidelines, 2015. Collection method: clinical testing. Allele origin: germline.

Literature cited by the submitters: PubMed 10508515 (cited by Labcorp Genetics (formerly Invitae), Labcorp); PubMed 11222804 (cited by Labcorp Genetics (formerly Invitae), Labcorp); PubMed 12404106 (cited by Labcorp Genetics (formerly Invitae), Labcorp); PubMed 24689081 (cited by Labcorp Genetics (formerly Invitae), Labcorp).